The following is an entry in ClinVar:

NM_001378778.1(MPDZ):c.3422C>T (p.Thr1141Ile)

Gene: MPDZ (multiple PDZ domain crumbs cell polarity complex component; minus strand). Cytogenetic location: 9p23.
Variant type: single nucleotide variant.
Coding change: c.3422C>T on transcript NM_001378778.1 (MANE Select); coding-DNA position 3422, C replaced by T.
Protein change: p.Thr1141Ile; replaces threonine 1141 with isoleucine.
Molecular consequence: missense variant. On other transcripts: intron variant (1).
Genome position (GRCh38, 1-based): chr9:13,158,048, G>A on the plus strand (C>T on the coding strand, the complement: MPDZ is on the minus strand). VCF-style: chr9-13158048-G-A. GRCh37 (hg19) VCF-style: chr9-13158047-G-A.
Other names: c.3422C>T, p.Thr1141Ile (NM_001375426.1, NM_003829.5, NM_001261406.2 and 13 more transcripts); c.3255-7360C>T (NM_001375427.1); short protein forms T1141I.
Identifiers: ClinVar variation 2175918 (VCV002175918.2), dbSNP rs777791099, ClinGen allele CA4987122.

ClinVar aggregate classification (germline): Uncertain significance (1 of 4 stars; one submission).

Allele frequency attached by ClinVar (database versions not stated): gnomAD 0.00001; TOPMed 0.00002; ExAC 0.00003.
gnomAD v4.1: 42 of 1,612,650 alleles (0.0026%); highest among the groups gnomAD compares: Non-Finnish European, 0.0036%; no homozygotes.

Submission:

Labcorp Genetics (formerly Invitae), Labcorp
Classification: Uncertain significance. Last evaluated: 2022-10-17. Review status: criteria provided, single submitter. Criteria: Invitae Variant Classification Sherloc (09022015). Collection method: clinical testing. Allele origin: germline.
Comment: In summary, the available evidence is currently insufficient to determine the role of this variant in disease. Therefore, it has been classified as a Variant of Uncertain Significance. Algorithms developed to predict the effect of sequence changes on RNA splicing suggest that this variant may disrupt the consensus splice site. Algorithms developed to predict the effect of missense changes on protein structure and function are either unavailable or do not agree on the potential impact of this missense change (SIFT: "Deleterious"; PolyPhen-2: "Benign"; Align-GVGD: "Class C15"). This variant has not been reported in the literature in individuals affected with MPDZ-related conditions. This variant is present in population databases (rs777791099, gnomAD 0.007%). This sequence change replaces threonine, which is neutral and polar, with isoleucine, which is neutral and non-polar, at codon 1141 of the MPDZ protein (p.Thr1141Ile).